The following continues an entry in ClinVar:

NM_000077.5(CDKN2A):c.301G>T (p.Gly101Trp)

Gene: CDKN2A. ClinVar aggregate classification (germline): Pathogenic. Pathogenic (22).

Submissions 7 to 21 of 26:

Ambry Genetics
Classification: Pathogenic for Hereditary cancer-predisposing syndrome. Last evaluated: 2024-07-10. Review status: criteria provided, single submitter. Criteria: Ambry Variant Classification Scheme 2023. Collection method: clinical testing. Allele origin: germline.
Comment: The p.G101W pathogenic mutation (also known as c.301G>T), located in coding exon 2 of the CDKN2A gene, results from a G to T substitution at nucleotide position 301. The glycine at codon 101 is replaced by tryptophan, an amino acid with dissimilar properties. This mutation, also known as p.G93W (c.295G>T) in the published literature, has been reported in numerous individuals diagnosed with FAMMM (Whelan AJ et al. N. Engl. J. Med. 1995 Oct;333:975-7; Ranade K et al. Nat. Genet.,1995 May;10:114-6; Gironi LC et al. Int. J. Dermatol. 2015 Dec;54:e553-5; Roberts NJ et al. Cancer Discov. 2016 Feb;6:166-75), segregated with disease in multiple families (Hussussian CJ et al. Nat Genet. 1994 Sep;8(1):15-21; Ambry internal data), and is one of the most common CDKN2A mutations (Vinarsky V et al. Head Neck. 2009;31:1524-7). In one meta-analysis, 9 of 22 families with this mutation reported at least one case of pancreatic cancer (Goldstein AM et al. Hum. Mutat. 2004; 23:630). Several functional studies have revealed a significant decrease in the ability of p.G101W to inhibit cell growth (Walker GJ et al. Int. J. Cancer. 1999;82:305-12; McKenzie HA et al. Hum Mutat. 2010 Jun;31(6):692-701; Miller PJ et al. Hum. Mutat. 2011;32:900-11). In addition, while some studies have shown that the mutant protein maintains some ability to bind with CDK4, additional studies have demonstrated that the binding affinity is temperature dependent, with 75% of binding affinity compared to wildtype at 30 degrees Celsius, but <10% of binding affinity compared to wildtype at 42 degrees Celsius (Walker GJ et al. Int. J. Cancer. 1999;82:305-12; Kannengiesser C et al. Hum. Mutat. 2009;30:564-74; Parry D et al. Mol. Cell. Biol. 1996 Jul;16(7):3844-52). Further, mass spectrometry analysis of this alteration indicates a significantly altered structure, and in silico molecular dynamics simulations predict that this alteration creates a misfolding of the third and fourth ankryin repeats, with a partial conservation of the first and second repeats at the binding site, which explains its partial retention of CDK4 binding in vitro but its inability to block cell proliferation (Tevelev A et al. Biochemistry. 1996 Jul;35(29):9475-87; Scaini MC et al. Hum. Mutat. 2014 Jul;35(7):828-40). The partially folded state is predicted to promote faster degradation, resulting in a decreased half-life of the protein and a higher tendency to form protein aggregates (Scaini MC et al. Hum. Mutat. 2014 Jul;35(7):828-40). In addition, this alteration is predicted to be deleterious by in silico analysis. Of note, this alteration is also known as c.344G>T (p.R115L)in the p14(ARF) isoform. Based on the supporting evidence, this alteration is interpreted as a disease-causing mutation.

Color Diagnostics, LLC DBA Color Health
Classification: Pathogenic for Hereditary cancer-predisposing syndrome. Last evaluated: 2024-06-26. Review status: criteria provided, single submitter. Criteria: ACMG Guidelines, 2015. Collection method: clinical testing. Allele origin: germline.
Comment: The CDKN2A locus encodes two different gene products, p16INK4a and p14ARF. This missense variant replaces glycine with tryptophan at codon 101 in the ankyrin repeat motif of the CDKN2A (p16INK4A) protein. This variant is also known as p.Gly93Trp in the literature. Computational prediction suggests that this variant may have deleterious impact on protein structure and function. Functional studies have shown that this variant impairs the ability of p16INK4A protein to bind CDK4 and CDK6 and control cell cycle (PMID: 7566978, 7647780, 9324288, 19260062, 20340136, 21462282, 24659262). This variant has been reported in numerous individuals affected with melanoma and pancreatic cancer (PMID: 9425228, 11579459, 12072543, 14679123, 15146471, 15860862, 16234564, 19360740, 20340136, 21801156, 22841127, 25780468, 26381259, 26658419, 26681309, 26775776, 27181379, 28146043, 29464027, 29945567, 30274933, 31432501, 31517177, 32455486). This variant has been shown to segregate with disease in many families (PMID: 7666917, 7987387, 8552158, 9425228, 10508477) and is thought to be a European founder mutation (PMID: 10869234, 11579459, 15860862). This variant has not been identified in the general population by the Genome Aggregation Database (gnomAD). Based on the available evidence, this variant is classified as Pathogenic.

GeneDx
Classification: Pathogenic. Last evaluated: 2024-05-28. Review status: criteria provided, single submitter. Criteria: GeneDx Variant Classification Process June 2021. Collection method: clinical testing. Allele origin: germline. Affected: yes.
Comment: Reported in association with familial melanoma and pancreatic cancer, and is a common pathogenic founder variant observed to segregate with disease in numerous geographically-diverse families (PMID: 7987387, 7666917, 10869234, 11807902, 14679123, 19500876, 26775776, 26681309); Published functional studies demonstrate a damaging effect: impaired cell cycle inhibition and CDK4 and CDK6 binding (PMID: 7647780, 7780957, 8668202, 9324288, 19260062, 20340136, 21462282, 24659262); This variant in the p16 isoform also results in a variant of uncertain significance in the p14-ARF protein, c.344G>T (p.Arg115Leu); In silico analysis supports that this missense variant has a deleterious effect on protein structure/function; Not observed at significant frequency in large population cohorts (gnomAD); This variant is associated with the following publications: (PMID: 22804906, 19158841, 26225579, 27181379, 25787093, 22841127, 26650572, 25970827, 36980738, 35988656, 36717525, 32191290, 36495689, 28146043, 28452926, 28726808, 7780957, 7777061, 8668202, 9324288, 10389768, 19260062, 20340136, 21462282, 18024887, 10869234, 17167857, 25780468, 15235029, 15140239, 10874641, 25803691, 7987388, 19500876, 7566978, 14679123, 7647780, 24659262, 7987387, 19360740, 15860862, 11807902, 26681309, 22368299, 25023876, 25431349, 26775776, 26800492, 26892652, 26650189, 27473757, 26658419, 28060055, 26381259, 28030792, 28592523, 27926368, 29464027, 20653773, 7666917, 29543703, 30113427, 30338612, 31432501, 11243640, 36139606, 12001124, 27960642, 21801156, 8012957, 16818274, 27756164, 9166859, 9425228, 15146471, 11579459, 8552158, 7718873, 29922827, 32482799, 18519632, 35123577, 31628766, 30218143, 30291219, 28765326)

Fulgent Genetics
Classification: Pathogenic for Melanoma, cutaneous malignant, susceptibility to, 2; Melanoma and neural system tumor syndrome; Melanoma-pancreatic cancer syndrome. Last evaluated: 2024-04-03. Review status: criteria provided, single submitter. Criteria: ACMG Guidelines, 2015. Collection method: clinical testing. Allele origin: germline.

Baylor Genetics
Classification: Pathogenic for Melanoma and neural system tumor syndrome. Last evaluated: 2024-02-28. Review status: criteria provided, single submitter. Criteria: ACMG Guidelines, 2015. Collection method: clinical testing. Allele origin: unknown.

Myriad Genetics, Inc.
Classification: Pathogenic for Melanoma-pancreatic cancer syndrome. Last evaluated: 2023-04-20. Review status: criteria provided, single submitter. Criteria: Myriad Autosomal Dominant, Autosomal Recessive and X-Linked Classification Criteria (2023). Collection method: clinical testing. Allele origin: unknown.
Comment: This variant is considered pathogenic. This variant has been reported in multiple individuals with clinical features of gene-specific disease [PMID: 11556834, 17047042].

Blueprint Genetics
Classification: Pathogenic for CDKN2A-related disorders. Last evaluated: 2022-06-20. Review status: criteria provided, single submitter. Criteria: ACMG Guidelines, 2015. Collection method: clinical testing. Allele origin: germline. Affected: yes. Observed: 2 variant alleles.

Clinical Genetics Laboratory, Skane University Hospital Lund
Classification: Pathogenic. Last evaluated: 2022-05-27. Review status: criteria provided, single submitter. Criteria: ACMG Guidelines, 2015. Collection method: clinical testing. Allele origin: germline. Affected: yes.

Women's Health and Genetics/Laboratory Corporation of America, LabCorp
Classification: Pathogenic for Familial melanoma. Last evaluated: 2022-05-12. Review status: criteria provided, single submitter. Criteria: LabCorp Variant Classification Summary - May 2015. Collection method: clinical testing. Allele origin: germline.
Comment: Variant summary: CDKN2A c.301G>T (p.Gly101Trp) results in a non-conservative amino acid change located in the Ankyrin repeat-containing domain of the encoded protein sequence. Five of five in-silico tools predict a damaging effect of the variant on protein function. The variant was absent in 234668 control chromosomes (gnomAD, Kamb_1994). c.301G>T has been reported in the literature in multiple individuals affected with Melanoma (e.g. Kamb_1994, Hussussian_1994, Blackwood_2002). These data indicate that the variant is very likely to be associated with disease. . Kannengiesser_2008 reports that the variant causes a loss of CDK4 binding which results in aberrant proliferation in cell culture. This was was confirmed by Miller_2011, who showed that in a cell cycle arrest assay, the variant caused a complete loss of cell cycle arrest. Twelve ClinVar submitters have assessed the variant since 2014: all have classified the variant as pathogenic. Based on the evidence outlined above, the variant was classified as pathogenic.

Mendelics
Classification: Pathogenic for Melanoma, cutaneous malignant, susceptibility to, 2. Last evaluated: 2022-05-04. Review status: criteria provided, single submitter. Criteria: Mendelics Assertion Criteria 2019. Collection method: clinical testing. Allele origin: germline.

MGZ Medical Genetics Center
Classification: Pathogenic for Melanoma, cutaneous malignant, susceptibility to, 2. Last evaluated: 2021-08-05. Review status: criteria provided, single submitter. Criteria: ACMG Guidelines, 2015. Collection method: clinical testing. Allele origin: germline. Affected: yes. Observed: 1 variant allele.
Comment: ACMG criteria applied: PS4, PS3_MOD, PM1_SUP, PM2_SUP, PP3, PP4

Institute of Medical Genetics and Applied Genomics, University Hospital Tübingen
Classification: Pathogenic. Last evaluated: 2021-06-17. Review status: criteria provided, single submitter. Criteria: ACMG Guidelines, 2015. Collection method: clinical testing. Allele origin: germline. Inheritance: Autosomal dominant inheritance. Affected: yes.

Department of Molecular Diagnostics, Institute of Oncology Ljubljana
Classification: Pathogenic for Melanoma-pancreatic cancer syndrome. Last evaluated: 2020-04-02. Review status: criteria provided, single submitter. Criteria: ACMG Guidelines, 2015. Collection method: clinical testing. Allele origin: germline. Affected: yes.

Center of Genomic medicine, Geneva, University Hospital of Geneva
Classification: Pathogenic for Melanoma-pancreatic cancer syndrome. Last evaluated: 2018-04-06. Review status: criteria provided, single submitter. Criteria: ACMG Guidelines, 2015. Collection method: clinical testing. Allele origin: germline. Affected: yes.

Eurofins Ntd Llc (ga)
Classification: Pathogenic. Last evaluated: 2017-01-17. Review status: criteria provided, single submitter. Criteria: EGL Classification Definitions 2015. Collection method: clinical testing. Allele origin: germline. Observed: 1 variant allele, 1 heterozygote.